The following is an entry in ClinVar:

ClinVar aggregate classification (germline): Uncertain significance. Review status: criteria provided, single submitter (1 of 4 stars). 2 submissions from 2 submitters: Uncertain significance (1). 1 of the submissions does not count toward it. Last evaluated 2021-08-27.

Conditions:
Hereditary spastic paraplegia 49 (HSAN9). Also called: NEUROPATHY, HEREDITARY SENSORY AND AUTONOMIC, TYPE IX, WITH DEVELOPMENTAL DELAY; Spastic paraplegia 49, autosomal recessive; TECPR2-Related Hereditary Sensory and Autonomic Neuropathy with Intellectual Disability. Identifiers: Orphanet 320385, MedGen C5190860, MONDO:0014016, OMIM 615031.

Allele frequency attached by ClinVar (database versions not stated): gnomAD exomes below 0.00001 and 0.00001; TOPMed below 0.00001; ExAC 0.00001; gnomAD 0.00001.
gnomAD v4.1: 12 of 1,614,046 alleles (0.00074%); highest among the groups gnomAD compares: Non-Finnish European, 0.001%; no homozygotes.

Submissions (2):

Labcorp Genetics (formerly Invitae), Labcorp
Classification: Uncertain significance for Hereditary spastic paraplegia 49. Last evaluated: 2021-08-27. Review status: criteria provided, single submitter. Criteria: Invitae Variant Classification Sherloc (09022015). Collection method: clinical testing. Allele origin: germline.
Comment: This sequence change replaces proline with leucine at codon 892 of the TECPR2 protein (p.Pro892Leu). The proline residue is moderately conserved and there is a moderate physicochemical difference between proline and leucine. This variant is present in population databases (rs762680033, ExAC 0.001%). This variant has not been reported in the literature in individuals affected with TECPR2-related conditions. Algorithms developed to predict the effect of missense changes on protein structure and function are either unavailable or do not agree on the potential impact of this missense change (SIFT: "Tolerated"; PolyPhen-2: "Possibly Damaging"; Align-GVGD: "Class C0"). In summary, the available evidence is currently insufficient to determine the role of this variant in disease. Therefore, it has been classified as a Variant of Uncertain Significance.

Natera, Inc.
Classification: Uncertain significance for Autosomal recessive spastic paraplegia type 49. Last evaluated: 2020-09-16. Review status: no assertion criteria provided. Collection method: clinical testing. Allele origin: germline. Not counted in ClinVar's aggregate classification.

NM_014844.5(TECPR2):c.2675C>T (p.Pro892Leu)

Gene: TECPR2 (tectonin beta-propeller repeat containing 2; plus strand). Cytogenetic location: 14q32.31.
Variant type: single nucleotide variant.
Coding change: c.2675C>T on transcript NM_014844.5 (MANE Select); coding-DNA position 2675, C replaced by T.
Protein change: p.Pro892Leu; replaces proline 892 with leucine.
Molecular consequence: missense variant.
Genome position (GRCh38, 1-based): chr14:102,440,532, C>T. VCF-style: chr14-102440532-C-T. GRCh37 (hg19) VCF-style: chr14-102906869-C-T.
Other names: c.2675C>T, p.Pro892Leu (NM_001172631.3); short protein forms P892L.
Identifiers: ClinVar variation 839898 (VCV000839898.8), dbSNP rs762680033, ClinGen allele CA7358009.